The following is an entry in ClinVar:

ClinVar aggregate classification (germline): Uncertain significance (1 of 4 stars; one submission).

Conditions:
Baller-Gerold syndrome (BGS). Also called: CRANIOSYNOSTOSIS WITH RADIAL DEFECTS. Identifiers: Orphanet 1225, MedGen C0265308, MONDO:0009039, OMIM 218600.

Allele frequency attached by ClinVar (database versions not stated): TOPMed below 0.00001.

Submission:

Labcorp Genetics (formerly Invitae), Labcorp
Classification: Uncertain significance for Baller-Gerold syndrome. Last evaluated: 2022-07-26. Review status: criteria provided, single submitter. Criteria: Invitae Variant Classification Sherloc (09022015). Collection method: clinical testing. Allele origin: germline.
Comment: In summary, the available evidence is currently insufficient to determine the role of this variant in disease. Therefore, it has been classified as a Variant of Uncertain Significance. ClinVar contains an entry for this variant (Variation ID: 963412). This variant has not been reported in the literature in individuals affected with RECQL4-related conditions. This variant is not present in population databases (gnomAD no frequency). This sequence change replaces alanine, which is neutral and non-polar, with aspartic acid, which is acidic and polar, at codon 593 of the RECQL4 protein (p.Ala593Asp).

NM_004260.4(RECQL4):c.1778C>A (p.Ala593Asp)

Gene: RECQL4 (RecQ like helicase 4; minus strand). Cytogenetic location: 8q24.3.
Variant type: single nucleotide variant.
Coding change: c.1778C>A on transcript NM_004260.4 (MANE Select); coding-DNA position 1778, C replaced by A.
Protein change: p.Ala593Asp; replaces alanine 593 with aspartic acid.
Molecular consequence: missense variant.
Genome position (GRCh38, 1-based): chr8:144,514,289, G>T on the plus strand (C>A on the coding strand, the complement: RECQL4 is on the minus strand). VCF-style: chr8-144514289-G-T. GRCh37 (hg19) VCF-style: chr8-145739673-G-T.
Other names: short protein forms A593D.
Identifiers: ClinVar variation 963412 (VCV000963412.7), dbSNP rs1286553686, ClinGen allele CA372680970.